The following is an entry in ClinVar:

NM_133433.4(NIPBL):c.5071G>A (p.Ala1691Thr)

Gene: NIPBL (NIPBL cohesin loading factor; plus strand). Cytogenetic location: 5p13.2.
Variant type: single nucleotide variant.
Coding change: c.5071G>A on transcript NM_133433.4 (MANE Select); coding-DNA position 5071, G replaced by A.
Protein change: p.Ala1691Thr; replaces alanine 1691 with threonine.
Molecular consequence: missense variant.
Genome position (GRCh38, 1-based): chr5:37,020,519, G>A. VCF-style: chr5-37020519-G-A. GRCh37 (hg19) VCF-style: chr5-37020621-G-A.
Other names: c.5071G>A, p.Ala1691Thr (NM_001438586.1, NM_015384.5); short protein forms A1691T.
Identifiers: ClinVar variation 4626164 (VCV004626164.2).

ClinVar aggregate classification (germline): Conflicting classifications of pathogenicity. Review status: criteria provided, conflicting classifications (1 of 4 stars). 2 submissions from 2 submitters: Uncertain significance (1); Likely benign (1). Last evaluated 2026-01-08.

Conditions:
Inborn genetic diseases. Identifiers: MedGen C0950123, MeSH D030342.
Cornelia de Lange syndrome 1 (CDLS1). Also called: TYPUS DEGENERATIVUS AMSTELODAMENSIS; Brachmann de Lange syndrome; NIPBL-Related Cornelia de Lange Syndrome. Identifiers: Orphanet 199, MedGen C4551851, MONDO:0007387, OMIM 122470.

gnomAD v4.1: 3 of 1,613,890 alleles (0.00019%); highest among the groups gnomAD compares: South Asian, 0.0011%; no homozygotes.

Submissions (2):

Labcorp Genetics (formerly Invitae), Labcorp
Classification: Uncertain significance for Cornelia de Lange syndrome 1. Last evaluated: 2026-01-08. Review status: criteria provided, single submitter. Criteria: Invitae Variant Classification Sherloc (09022015). Collection method: clinical testing. Allele origin: germline.
Comment: This sequence change replaces alanine, which is neutral and non-polar, with threonine, which is neutral and polar, at codon 1691 of the NIPBL protein (p.Ala1691Thr). This variant is present in population databases (no rsID available, gnomAD 0.02%). This variant has not been reported in the literature in individuals affected with NIPBL-related conditions. Invitae Evidence Modeling of protein sequence and biophysical properties (such as structural, functional, and spatial information, amino acid conservation, physicochemical variation, residue mobility, and thermodynamic stability) has been performed for this missense variant. However, the output from this modeling did not meet the statistical confidence thresholds required to predict the impact of this variant on NIPBL protein function. In summary, the available evidence is currently insufficient to determine the role of this variant in disease. Therefore, it has been classified as a Variant of Uncertain Significance.

Ambry Genetics
Classification: Likely benign for Inborn genetic diseases. Last evaluated: 2025-12-03. Review status: criteria provided, single submitter. Criteria: Ambry Variant Classification Scheme 2023. Collection method: clinical testing. Allele origin: germline.